The following is an entry in ClinVar:

NM_052945.4(TNFRSF13C):c.13C>T (p.Pro5Ser)

Genes: TNFRSF13C (TNF receptor superfamily member 13C; minus strand), LOC130067574 (ATAC-STARR-seq lymphoblastoid silent region 13813; plus strand). Cytogenetic location: 22q13.2.
Variant type: single nucleotide variant.
Coding change: c.13C>T on transcript NM_052945.4 (MANE Select); coding-DNA position 13, C replaced by T.
Protein change: p.Pro5Ser; replaces proline 5 with serine.
Molecular consequence: missense variant.
Genome position (GRCh38, 1-based): chr22:41,926,761, G>A on the plus strand (C>T on the coding strand, the complement: TNFRSF13C is on the minus strand). VCF-style: chr22-41926761-G-A. GRCh37 (hg19) VCF-style: chr22-42322765-G-A.
Other names: short protein forms P5S.
Identifiers: ClinVar variation 3688649 (VCV003688649.2).

ClinVar aggregate classification (germline): Uncertain significance (1 of 4 stars; one submission).

Conditions:
Immunodeficiency, common variable, 4. Also called: ANTIBODY DEFICIENCY DUE TO BAFFR DEFECT. Identifiers: Orphanet 1572, Orphanet 696925, MedGen C3150739, MONDO:0013284, OMIM 613494.

Submission:

Labcorp Genetics (formerly Invitae), Labcorp
Classification: Uncertain significance for Immunodeficiency, common variable, 4. Last evaluated: 2024-09-22. Review status: criteria provided, single submitter. Criteria: Invitae Variant Classification Sherloc (09022015). Collection method: clinical testing. Allele origin: germline.
Comment: This sequence change replaces proline, which is neutral and non-polar, with serine, which is neutral and polar, at codon 5 of the TNFRSF13C protein (p.Pro5Ser). This variant is not present in population databases (gnomAD no frequency). This variant has not been reported in the literature in individuals affected with TNFRSF13C-related conditions. An algorithm developed to predict the effect of missense changes on protein structure and function outputs the following: PolyPhen-2: "Benign". The serine amino acid residue is found in multiple mammalian species, which suggests that this missense change does not adversely affect protein function. In summary, the available evidence is currently insufficient to determine the role of this variant in disease. Therefore, it has been classified as a Variant of Uncertain Significance.